The following is an entry in ClinVar:

NM_020998.4(MST1):c.849G>T (p.Gly283=)

Gene: MST1 (macrophage stimulating 1; minus strand). Cytogenetic location: 3p21.31.
Variant type: single nucleotide variant.
Coding change: c.849G>T on transcript NM_020998.4 (MANE Select); coding-DNA position 849, G replaced by T.
Protein change: p.Gly283=; no amino-acid change (glycine 283 retained).
Molecular consequence: synonymous variant. On other transcripts: missense variant (3), non-coding transcript variant (1), intron variant (1).
Genome position (GRCh38, 1-based): chr3:49,686,480, C>A on the plus strand (G>T on the coding strand, the complement: MST1 is on the minus strand). VCF-style: chr3-49686480-C-A. GRCh37 (hg19) VCF-style: chr3-49723913-C-A.
Other names: c.845G>T, p.Gly282Val (NM_001393581.1, NM_001393583.1, NM_001393584.1); c.849G>T, p.Gly283= (NM_001393582.1); c.847+204G>T (NM_001393585.1); short protein forms G282V.
Identifiers: ClinVar variation 2672941 (VCV002672941.23), dbSNP rs761582221, ClinGen allele CA2403039.

ClinVar aggregate classification (germline): Likely benign (1 of 4 stars; one submission).

Allele frequency attached by ClinVar (database versions not stated): gnomAD exomes below 0.00001; TOPMed below 0.00001.
gnomAD v4.1: 3 of 1,612,264 alleles (0.00019%); highest among the groups gnomAD compares: Admixed American, 0.0033%; no homozygotes.

Submission:

CeGaT Center for Human Genetics Tuebingen
Classification: Likely benign. Last evaluated: 2026-02-01. Review status: criteria provided, single submitter. Criteria: CeGaT Center For Human Genetics Tuebingen Variant Classification Criteria Version 2. Collection method: clinical testing. Allele origin: germline. Affected: yes. Observed: 2 variant alleles.
Comment: MST1: BP4, BP7